The following is an entry in ClinVar:

NM_014714.4(IFT140):c.1394C>T (p.Ala465Val)

Genes: IFT140 (intraflagellar transport 140; minus strand), LOC105371046 (uncharacterized LOC105371046; plus strand). Cytogenetic location: 16p13.3.
Variant type: single nucleotide variant.
Coding change: c.1394C>T on transcript NM_014714.4 (MANE Select); coding-DNA position 1394, C replaced by T.
Protein change: p.Ala465Val; replaces alanine 465 with valine.
Molecular consequence: missense variant.
Genome position (GRCh38, 1-based): chr16:1,583,352, G>A on the plus strand (C>T on the coding strand, the complement: IFT140 is on the minus strand). VCF-style: chr16-1583352-G-A. GRCh37 (hg19) VCF-style: chr16-1633353-G-A.
Other names: short protein forms A465V.
Identifiers: ClinVar variation 2049620 (VCV002049620.3), dbSNP rs755802373, ClinGen allele CA7814318.

ClinVar aggregate classification (germline): Conflicting classifications of pathogenicity. Review status: criteria provided, conflicting classifications (1 of 4 stars). 3 submissions from 3 submitters: Uncertain significance (2); Likely benign (1). Last evaluated 2024-11-27.

Conditions:
Inborn genetic diseases. Identifiers: MedGen C0950123, MeSH D030342.
Saldino-Mainzer syndrome (SRTD9). Also called: CONORENAL SYNDROME; Renal dysplasia, retinal pigmentary dystrophy, cerebellar ataxia and skeletal dysplasia; SHORT-RIB THORACIC DYSPLASIA 9 WITHOUT POLYDACTYLY; short-rib thoracic dysplasia 9 with or without polydactyly. Identifiers: Orphanet 140969, MedGen C1849437, MONDO:0009964, OMIM 266920.

Allele frequency attached by ClinVar (database versions not stated): ExAC 0.00001; gnomAD 0.00001; gnomAD exomes 0.00001; TOPMed 0.00001.
gnomAD v4.1: 16 of 1,613,960 alleles (0.00099%); highest among the groups gnomAD compares: African/African-American, 0.0027%; no homozygotes.

Submissions (3):

GeneDx
Classification: Uncertain significance. Last evaluated: 2024-11-27. Review status: criteria provided, single submitter. Criteria: GeneDx Variant Classification Process June 2021. Collection method: clinical testing. Allele origin: germline. Affected: yes.
Comment: Not observed at significant frequency in large population cohorts (gnomAD); In silico analysis indicates that this missense variant does not alter protein structure/function; Has not been previously published as pathogenic or benign to our knowledge

Ambry Genetics
Classification: Likely benign for Inborn genetic diseases. Last evaluated: 2022-11-08. Review status: criteria provided, single submitter. Criteria: Ambry Variant Classification Scheme 2023. Collection method: clinical testing. Allele origin: germline.

Labcorp Genetics (formerly Invitae), Labcorp
Classification: Uncertain significance for Saldino-Mainzer syndrome. Last evaluated: 2022-08-09. Review status: criteria provided, single submitter. Criteria: Invitae Variant Classification Sherloc (09022015). Collection method: clinical testing. Allele origin: germline.
Comment: This sequence change replaces alanine, which is neutral and non-polar, with valine, which is neutral and non-polar, at codon 465 of the IFT140 protein (p.Ala465Val). This variant is present in population databases (rs755802373, gnomAD 0.0009%). This variant has not been reported in the literature in individuals affected with IFT140-related conditions. Algorithms developed to predict the effect of missense changes on protein structure and function output the following: SIFT: "Tolerated"; PolyPhen-2: "Benign"; Align-GVGD: "Class C0". The valine amino acid residue is found in multiple mammalian species, which suggests that this missense change does not adversely affect protein function. In summary, the available evidence is currently insufficient to determine the role of this variant in disease. Therefore, it has been classified as a Variant of Uncertain Significance.